The following is an entry in ClinVar:

ClinVar aggregate classification (germline): Uncertain significance (1 of 4 stars; one submission).

Conditions:
Inborn genetic diseases. Identifiers: MedGen C0950123, MeSH D030342.

Submission:

Ambry Genetics
Classification: Uncertain significance for Inborn genetic diseases. Last evaluated: 2026-08-16. Review status: criteria provided, single submitter. Criteria: Ambry Variant Classification Scheme 2023. Collection method: clinical testing. Allele origin: germline.
Comment: The p.D893V variant (also known as c.2678A>T), located in coding exon 14 of the FANCM gene, results from an A to T substitution at nucleotide position 2678. The aspartic acid at codon 893 is replaced by valine, an amino acid with highly dissimilar properties. This amino acid position is conserved. In addition, this alteration is predicted to be tolerated by in silico analysis. Based on the available evidence, the clinical significance of this variant remains unclear.

NM_020937.4(FANCM):c.2678A>T (p.Asp893Val)

Gene: FANCM (FA complementation group M; plus strand). Cytogenetic location: 14q21.2.
Variant type: single nucleotide variant.
Coding change: c.2678A>T on transcript NM_020937.4 (MANE Select); coding-DNA position 2678, A replaced by T.
Protein change: p.Asp893Val; replaces aspartic acid 893 with valine.
Molecular consequence: missense variant.
Genome position (GRCh38, 1-based): chr14:45,175,432, A>T. VCF-style: chr14-45175432-A-T. GRCh37 (hg19) VCF-style: chr14-45644635-A-T.
Other names: c.2600A>T, p.Asp867Val (NM_001308133.2); short protein forms D867V, D893V.
Identifiers: ClinVar variation 5021500 (VCV005021500.1).